The following is an entry in ClinVar:

ClinVar aggregate classification (germline): Likely benign (0 of 4 stars; one submission).

Conditions:
KARS1-related disorder. Also called: KARS1-related disorders.

Allele frequency attached by ClinVar (database versions not stated): gnomAD exomes 0.00001; gnomAD 0.00004; TOPMed 0.00011.
gnomAD v4.1: 18 of 1,613,758 alleles (0.0011%); highest among the groups gnomAD compares: Admixed American, 0.018%; no homozygotes.

Submission:

PreventionGenetics, part of Exact Sciences
Classification: Likely benign for KARS1-related condition. Last evaluated: 2019-06-19. Review status: no assertion criteria provided. Collection method: clinical testing. Allele origin: germline.
Comment: This variant is classified as likely benign based on ACMG/AMP sequence variant interpretation guidelines (Richards et al. 2015 PMID: 25741868, with internal and published modifications).

NM_005548.3(KARS1):c.-4G>A

Genes: KARS1 (lysyl-tRNA synthetase 1; minus strand), LOC130059450 (ATAC-STARR-seq lymphoblastoid active region 11144; plus strand). Cytogenetic location: 16q23.1.
Variant type: single nucleotide variant.
Coding change: c.-4G>A on transcript NM_005548.3 (MANE Select); 4 bases upstream of the start codon, G replaced by A.
Molecular consequence: 5 prime UTR variant.
Genome position (GRCh38, 1-based): chr16:75,647,643, C>T on the plus strand (G>A on the coding strand, the complement: KARS1 is on the minus strand). VCF-style: chr16-75647643-C-T. GRCh37 (hg19) VCF-style: chr16-75681541-C-T.
Other names: c.-100G>A (NM_001130089.2); c.-586G>A (NM_001378148.1).
Identifiers: ClinVar variation 3043310 (VCV003043310.2), dbSNP rs942325233, ClinGen allele CA284333774.